The following is an entry in ClinVar:

NM_001371986.1(UNC80):c.397G>A (p.Gly133Arg)

Gene: UNC80 (unc-80 subunit of NALCN channel complex; plus strand). Cytogenetic location: 2q34.
Variant type: single nucleotide variant.
Coding change: c.397G>A on transcript NM_001371986.1 (MANE Select); coding-DNA position 397, G replaced by A.
Protein change: p.Gly133Arg; replaces glycine 133 with arginine.
Molecular consequence: missense variant.
Genome position (GRCh38, 1-based): chr2:209,777,356, G>A. VCF-style: chr2-209777356-G-A. GRCh37 (hg19) VCF-style: chr2-210642080-G-A.
Other names: c.397G>A, p.Gly133Arg (NM_032504.2, NM_182587.4); c.397G>A (NM_032504.1); short protein forms G133R.
Identifiers: ClinVar variation 1423261 (VCV001423261.5), dbSNP rs759136302, ClinGen allele CA2082736.

ClinVar aggregate classification (germline): Uncertain significance. Review status: criteria provided, multiple submitters, no conflicts (2 of 4 stars). 2 submissions from 2 submitters: Uncertain significance (2). Last evaluated 2025-06-12.

Conditions:
Inborn genetic diseases. Identifiers: MedGen C0950123, MeSH D030342.

Allele frequency attached by ClinVar (database versions not stated): gnomAD 0.00003; TOPMed 0.00001.
gnomAD v4.1: 74 of 1,614,060 alleles (0.0046%); highest among the groups gnomAD compares: Non-Finnish European, 0.0061%; no homozygotes.

Submissions (2):

Ambry Genetics
Classification: Uncertain significance for Inborn genetic diseases. Last evaluated: 2025-06-12. Review status: criteria provided, single submitter. Criteria: Ambry Variant Classification Scheme 2023. Collection method: clinical testing. Allele origin: germline.

Labcorp Genetics (formerly Invitae), Labcorp
Classification: Uncertain significance. Last evaluated: 2022-10-03. Review status: criteria provided, single submitter. Criteria: Invitae Variant Classification Sherloc (09022015). Collection method: clinical testing. Allele origin: germline.
Comment: This sequence change replaces glycine, which is neutral and non-polar, with arginine, which is basic and polar, at codon 133 of the UNC80 protein (p.Gly133Arg). This variant is present in population databases (rs759136302, gnomAD 0.003%). This variant has not been reported in the literature in individuals affected with UNC80-related conditions. ClinVar contains an entry for this variant (Variation ID: 1423261). Algorithms developed to predict the effect of missense changes on protein structure and function are either unavailable or do not agree on the potential impact of this missense change (SIFT: "Not Available"; PolyPhen-2: "Possibly Damaging"; Align-GVGD: "Not Available"). In summary, the available evidence is currently insufficient to determine the role of this variant in disease. Therefore, it has been classified as a Variant of Uncertain Significance.